The following is an entry in ClinVar:

NM_004260.4(RECQL4):c.119-2A>C

Genes: RECQL4 (RecQ like helicase 4; minus strand), LOC130001411 (ATAC-STARR-seq lymphoblastoid silent region 19699; plus strand). Cytogenetic location: 8q24.3.
Variant type: single nucleotide variant.
Coding change: c.119-2A>C on transcript NM_004260.4 (MANE Select); the canonical splice acceptor site of the intron before coding-DNA position 119, A replaced by C.
Molecular consequence: splice acceptor variant. On other transcripts: intron variant (2).
Genome position (GRCh38, 1-based): chr8:144,517,510, T>G on the plus strand (A>C on the coding strand, the complement: RECQL4 is on the minus strand). VCF-style: chr8-144517510-T-G. GRCh37 (hg19) VCF-style: chr8-145742894-T-G.
Other names: c.84+191A>C (NM_001413025.1); c.119-2A>C (NM_001413029.1, NM_001413017.1, NM_001413020.1 and 5 more transcripts); c.-912-2A>C (NM_001413032.1); c.-850-2A>C (NM_001413035.1, NM_001413024.1); c.-1015-2A>C (NM_001413027.1, NM_001413031.1, NM_001413030.1 and 1 more transcripts); c.-859+92A>C (NM_001413040.1); c.-602-2A>C (NM_001413021.1); c.-678-2A>C (NM_001413028.1); and 3 more.
Identifiers: ClinVar variation 849136 (VCV000849136.5), dbSNP rs1815370807, ClinGen allele CA372692820.

ClinVar aggregate classification (germline): Likely pathogenic (1 of 4 stars; one submission).

Conditions:
Baller-Gerold syndrome (BGS). Also called: CRANIOSYNOSTOSIS WITH RADIAL DEFECTS. Identifiers: Orphanet 1225, MedGen C0265308, MONDO:0009039, OMIM 218600.

Submission:

Labcorp Genetics (formerly Invitae), Labcorp
Classification: Likely pathogenic for Baller-Gerold syndrome. Last evaluated: 2023-01-20. Review status: criteria provided, single submitter. Criteria: Invitae Variant Classification Sherloc (09022015). Collection method: clinical testing. Allele origin: germline.
Comment: This variant has not been reported in the literature in individuals affected with RECQL4-related conditions. This variant is not present in population databases (gnomAD no frequency). This sequence change affects an acceptor splice site in intron 2 of the RECQL4 gene. It is expected to disrupt RNA splicing. Variants that disrupt the donor or acceptor splice site typically lead to a loss of protein function (PMID: 16199547), and loss-of-function variants in RECQL4 are known to be pathogenic (PMID: 12734318, 12952869). In summary, the currently available evidence indicates that the variant is pathogenic, but additional data are needed to prove that conclusively. Therefore, this variant has been classified as Likely Pathogenic. Algorithms developed to predict the effect of sequence changes on RNA splicing suggest that this variant may disrupt the consensus splice site. ClinVar contains an entry for this variant (Variation ID: 849136).

Literature cited by the submitters: PubMed 16199547; PubMed 12734318; PubMed 12952869.